The following is an entry in ClinVar:

ClinVar aggregate classification (germline): Uncertain significance (1 of 4 stars; one submission).

Submission:

Labcorp Genetics (formerly Invitae), Labcorp
Classification: Uncertain significance. Last evaluated: 2020-06-09. Review status: criteria provided, single submitter. Criteria: Invitae Variant Classification Sherloc (09022015). Collection method: clinical testing. Allele origin: germline.
Comment: In summary, the available evidence is currently insufficient to determine the role of this variant in disease. Therefore, it has been classified as a Variant of Uncertain Significance. Experimental studies and prediction algorithms are not available or were not evaluated, and the functional significance of this variant is currently unknown. This sequence change replaces leucine with proline at codon 1027 of the COL2A1 protein (p.Leu1027Pro). The leucine residue is highly conserved and there is a moderate physicochemical difference between leucine and proline. This variant is not present in population databases (ExAC no frequency). This variant has not been reported in the literature in individuals with COL2A1-related conditions.

NM_001844.5(COL2A1):c.3080T>C (p.Leu1027Pro)

Gene: COL2A1 (collagen type II alpha 1 chain; minus strand). Cytogenetic location: 12q13.11.
Variant type: single nucleotide variant.
Coding change: c.3080T>C on transcript NM_001844.5 (MANE Select); coding-DNA position 3080, T replaced by C.
Protein change: p.Leu1027Pro; replaces leucine 1027 with proline.
Molecular consequence: missense variant.
Genome position (GRCh38, 1-based): chr12:47,978,041, A>G on the plus strand (T>C on the coding strand, the complement: COL2A1 is on the minus strand). VCF-style: chr12-47978041-A-G. GRCh37 (hg19) VCF-style: chr12-48371824-A-G.
Other names: c.2873T>C, p.Leu958Pro (NM_033150.3); short protein forms L1027P, L958P.
Identifiers: ClinVar variation 1062723 (VCV001062723.9), dbSNP rs2136524904, ClinGen allele CA384540679.
Genomic context (GRCh38, chr12:47,978,041, plus strand): 5'-GGGCCACCCCAGGGGGTCTCACTGCTCACCTCTCGTCCAGGTTCACCTGCAGGACCCGTC[A>G]GGCCAGGAGGACCCACGGGGCCAGGAGGACCTCTGTCTCCAGATGCTCCAGGAGCACCCT-3'
Protein context (NP_001835.3, residues 1017-1037): GPPGPVGPPG[Leu1027Pro]TGPAGEPGRE